The following is an entry in ClinVar:

NM_015143.3(METAP1):c.250A>G (p.Thr84Ala)

Gene: METAP1 (methionyl aminopeptidase 1; plus strand). Cytogenetic location: 4q23.
Variant type: single nucleotide variant.
Coding change: c.250A>G on transcript NM_015143.3 (MANE Select); coding-DNA position 250, A replaced by G.
Protein change: p.Thr84Ala; replaces threonine 84 with alanine.
Molecular consequence: missense variant.
Genome position (GRCh38, 1-based): chr4:99,034,313, A>G. VCF-style: chr4-99034313-A-G. GRCh37 (hg19) VCF-style: chr4-99955464-A-G.
Other names: short protein forms T84A.
Identifiers: ClinVar variation 4831210 (VCV004831210.1).

ClinVar aggregate classification (germline): Uncertain significance (1 of 4 stars; one submission).

gnomAD v4.1: 18 of 1,544,556 alleles (0.0012%); highest among the groups gnomAD compares: Admixed American, 0.014%; no homozygotes.

Submission:

Ambry Genetics
Classification: Uncertain significance. Last evaluated: 2026-02-27. Review status: criteria provided, single submitter. Criteria: Ambry Variant Classification Scheme 2023. Collection method: clinical testing. Allele origin: germline.
Comment: The c.250A>G (p.T84A) alteration is located in exon 3 (coding exon 3) of the METAP1 gene. This alteration results from a A to G substitution at nucleotide position 250, causing the threonine (T) at amino acid position 84 to be replaced by an alanine (A). Based on data from gnomAD, the G allele has an overall frequency of 0.003% (5/156680) total alleles studied. The highest observed frequency was 0.023% (1/4396) of Other alleles. Based on insufficient or conflicting evidence, the clinical significance of this alteration remains unclear.